The following is an entry in ClinVar:

NM_005560.6(LAMA5):c.626G>A (p.Arg209Gln)

Gene: LAMA5 (laminin subunit alpha 5; minus strand). Cytogenetic location: 20q13.33.
Variant type: single nucleotide variant.
Coding change: c.626G>A on transcript NM_005560.6 (MANE Select); coding-DNA position 626, G replaced by A.
Protein change: p.Arg209Gln; replaces arginine 209 with glutamine.
Molecular consequence: missense variant.
Genome position (GRCh38, 1-based): chr20:62,352,303, C>T on the plus strand (G>A on the coding strand, the complement: LAMA5 is on the minus strand). VCF-style: chr20-62352303-C-T. GRCh37 (hg19) VCF-style: chr20-60927359-C-T.
Other names: short protein forms R209Q.
Identifiers: ClinVar variation 5039052 (VCV005039052.1).

ClinVar aggregate classification (germline): Likely benign (1 of 4 stars; one submission).

gnomAD v4.1: 21 of 1,599,972 alleles (0.0013%); highest among the groups gnomAD compares: Middle Eastern, 0.016%; no homozygotes.

Submission:

CeGaT Center for Human Genetics Tuebingen
Classification: Likely benign. Last evaluated: 2026-07-01. Review status: criteria provided, single submitter. Criteria: CeGaT Center For Human Genetics Tuebingen Variant Classification Criteria Version 2. Collection method: clinical testing. Allele origin: germline. Affected: yes. Observed: 1 variant allele.
Comment: LAMA5: BP4